The following is an entry in ClinVar:

NM_001846.4(COL4A2):c.4849C>T (p.Arg1617Trp)

Gene: COL4A2 (collagen type IV alpha 2 chain; plus strand). Cytogenetic location: 13q34.
Variant type: single nucleotide variant.
Coding change: c.4849C>T on transcript NM_001846.4 (MANE Select); coding-DNA position 4849, C replaced by T.
Protein change: p.Arg1617Trp; replaces arginine 1617 with tryptophan.
Molecular consequence: missense variant.
Genome position (GRCh38, 1-based): chr13:110,508,189, C>T. VCF-style: chr13-110508189-C-T. GRCh37 (hg19) VCF-style: chr13-111160536-C-T.
Other names: short protein forms R1617W.
Identifiers: ClinVar variation 3893554 (VCV003893554.1).

ClinVar aggregate classification (germline): Uncertain significance (1 of 4 stars; one submission).

gnomAD v4.1: 6 of 1,614,222 alleles (0.00037%); highest among the groups gnomAD compares: South Asian, 0.0011%; no homozygotes.

Submission:

GeneDx
Classification: Uncertain significance. Last evaluated: 2024-10-28. Review status: criteria provided, single submitter. Criteria: GeneDx Variant Classification Process June 2021. Collection method: clinical testing. Allele origin: germline. Affected: yes.
Comment: Not observed at significant frequency in large population cohorts (gnomAD); In silico analysis supports that this missense variant has a deleterious effect on protein structure/function; Has not been previously published as pathogenic or benign to our knowledge